The following is an entry in ClinVar:

ClinVar aggregate classification (germline): Uncertain significance (1 of 4 stars; one submission).

Allele frequency attached by ClinVar (database versions not stated): gnomAD exomes below 0.00001; gnomAD 0.00003 and 0.00004; TOPMed 0.00004.
gnomAD v4.1: 6 of 1,551,546 alleles (0.00039%); highest among the groups gnomAD compares: African/African-American, 0.0082%; no homozygotes.

Submission:

Labcorp Genetics (formerly Invitae), Labcorp
Classification: Uncertain significance. Last evaluated: 2024-01-19. Review status: criteria provided, single submitter. Criteria: Invitae Variant Classification Sherloc (09022015). Collection method: clinical testing. Allele origin: germline.
Comment: This sequence change replaces methionine, which is neutral and non-polar, with valine, which is neutral and non-polar, at codon 3006 of the UNC80 protein (p.Met3006Val). This variant is present in population databases (no rsID available, gnomAD 0.01%). This variant has not been reported in the literature in individuals affected with UNC80-related conditions. ClinVar contains an entry for this variant (Variation ID: 1512487). Advanced modeling of protein sequence and biophysical properties (such as structural, functional, and spatial information, amino acid conservation, physicochemical variation, residue mobility, and thermodynamic stability) performed at Invitae indicates that this missense variant is not expected to disrupt UNC80 protein function with a negative predictive value of 80%. In summary, the available evidence is currently insufficient to determine the role of this variant in disease. Therefore, it has been classified as a Variant of Uncertain Significance.

NM_001371986.1(UNC80):c.9214A>G (p.Met3072Val)

Gene: UNC80 (unc-80 homolog, NALCN channel complex subunit; plus strand). Cytogenetic location: 2q34.
Variant type: single nucleotide variant.
Coding change: c.9214A>G on transcript NM_001371986.1 (MANE Select); coding-DNA position 9214, A replaced by G.
Protein change: p.Met3072Val; replaces methionine 3072 with valine.
Molecular consequence: missense variant.
Genome position (GRCh38, 1-based): chr2:209,982,274, A>G. VCF-style: chr2-209982274-A-G. GRCh37 (hg19) VCF-style: chr2-210846998-A-G.
Other names: c.9016A>G, p.Met3006Val (NM_032504.2); c.9001A>G, p.Met3001Val (NM_182587.4); short protein forms M3006V, M3001V, M3072V.
Identifiers: ClinVar variation 1512487 (VCV001512487.4), dbSNP rs1032613518, ClinGen allele CA64660488.
Genomic context (GRCh38, chr2:209,982,274, plus strand): 5'-CAAGAAGCTTACCTCCTGAGTGCCATTGGAAGGAGGCGATTCTCCAGCCATGTCTCCAGC[A>G]TGTCTGTACCTCAGGCTGAGGTGGGCATGCTACCCAGCCAGAGGTAAACAGCTATGGTTA-3'
Protein context (NP_001358915.1, residues 3062-3082): RRRFSSHVSS[Met3072Val]SVPQAEVGML